The following is an entry in ClinVar:

ClinVar aggregate classification (germline): Likely benign. Review status: criteria provided, single submitter (1 of 4 stars). 2 submissions from 2 submitters: Likely benign (1). 1 of the submissions does not count toward it. Last evaluated 2020-07-25.

Conditions:
CUBN-related disorder. Also called: CUBN-related condition.
Imerslund-Grasbeck syndrome. Also called: PERNICIOUS ANEMIA, JUVENILE, DUE TO SELECTIVE INTESTINAL MALABSORPTION OF VITAMIN B12, WITH PROTEINURIA; Megaloblastic anemia due to inborn errors of metabolism; Imerslund-Gräsbeck syndrome; ENTEROCYTE COBALAMIN MALABSORPTION; ENTEROCYTE INTRINSIC FACTOR RECEPTOR, DEFECT OF. Identifiers: Orphanet 35858, MedGen C4551825, MONDO:0009853.

Allele frequency attached by ClinVar (database versions not stated): gnomAD 0.00004 and 0.00006; TOPMed 0.00005; ESP Exome Variant Server 0.00008; gnomAD exomes 0.00008; ExAC 0.00010; 1000 Genomes Project 30x 0.00016; 1000 Genomes Project 0.00020.
gnomAD v4.1: 117 of 1,613,966 alleles (0.0072%); highest among the groups gnomAD compares: South Asian, 0.04%; 1 homozygote.

Submissions (2):

Labcorp Genetics (formerly Invitae), Labcorp
Classification: Likely benign for Imerslund-Grasbeck syndrome. Last evaluated: 2020-07-25. Review status: criteria provided, single submitter. Criteria: Invitae Variant Classification Sherloc (09022015). Collection method: clinical testing. Allele origin: germline.

PreventionGenetics, part of Exact Sciences
Classification: Likely benign for CUBN-related condition. Last evaluated: 2020-02-18. Review status: no assertion criteria provided. Collection method: clinical testing. Allele origin: germline. Not counted in ClinVar's aggregate classification.
Comment: This variant is classified as likely benign based on ACMG/AMP sequence variant interpretation guidelines (Richards et al. 2015 PMID: 25741868, with internal and published modifications).

NM_001081.4(CUBN):c.5223G>A (p.Thr1741=)

Gene: CUBN (cubilin; minus strand). Cytogenetic location: 10p13.
Variant type: single nucleotide variant.
Coding change: c.5223G>A on transcript NM_001081.4 (MANE Select); coding-DNA position 5223, G replaced by A.
Protein change: p.Thr1741=; no amino-acid change (threonine 1741 retained).
Molecular consequence: synonymous variant.
Genome position (GRCh38, 1-based): chr10:16,947,354, C>T on the plus strand (G>A on the coding strand, the complement: CUBN is on the minus strand). VCF-style: chr10-16947354-C-T. GRCh37 (hg19) VCF-style: chr10-16989353-C-T.
Other names: c.5223G>A (NM_001081.3).
Identifiers: ClinVar variation 1118009 (VCV001118009.6), dbSNP rs375723034, ClinGen allele CA5424072.